The following is an entry in ClinVar:

NM_001399.5(EDA):c.167T>A (p.Leu56Gln)

Gene: EDA (ectodysplasin A; plus strand). Cytogenetic location: Xq13.1.
Variant type: single nucleotide variant.
Coding change: c.167T>A on transcript NM_001399.5 (MANE Select); coding-DNA position 167, T replaced by A.
Protein change: p.Leu56Gln; replaces leucine 56 with glutamine.
Molecular consequence: missense variant.
Genome position (GRCh38, 1-based): chrX:69,616,475, T>A. VCF-style: chrX-69616475-T-A. GRCh37 (hg19) VCF-style: chrX-68836319-T-A.
Other names: c.167T>A, p.Leu56Gln (NM_001005609.2, NM_001005610.4, NM_001005612.3 and 1 more transcripts); short protein forms L56Q.
Identifiers: ClinVar variation 569631 (VCV000569631.9), dbSNP rs1569272203, ClinGen allele CA413447211.
Genomic context (GRCh38, chrX:69,616,475, plus strand): 5'-AAGGGAACAGCTGCCTGCTCTTCCTGGGTTTCTTTGGCCTCTCGCTGGCCCTCCACCTGC[T>A]GACGTTGTGCTGCTACCTAGAGTTGCGCTCGGAGTTGCGGCGGGAACGTGGAGCCGAGTC-3'
Protein context (NP_001390.1, residues 46-66): FFGLSLALHL[Leu56Gln]TLCCYLELRS

ClinVar aggregate classification (germline): Pathogenic (1 of 4 stars; one submission).

Conditions:
Hypohidrotic X-linked ectodermal dysplasia (XHED). Also called: Anhidrotic ectodermal dysplasia X-linked; Christ Siemens Touraine syndrome; ECTODERMAL DYSPLASIA 1, HYPOHIDROTIC, X-LINKED; ECTODERMAL DYSPLASIA 1, HYPOHIDROTIC/HAIR/TOOTH TYPE, X-LINKED; Christ-Siemans-Touraine syndrome; ECTODERMAL DYSPLASIA 1. Identifiers: Orphanet 181, Orphanet 238468, MedGen C0162359, MONDO:0010585, OMIM 305100.

Submission:

Labcorp Genetics (formerly Invitae), Labcorp
Classification: Pathogenic for Hypohidrotic X-linked ectodermal dysplasia. Last evaluated: 2022-02-23. Review status: criteria provided, single submitter. Criteria: Invitae Variant Classification Sherloc (09022015). Collection method: clinical testing. Allele origin: germline.
Comment: This sequence change replaces leucine, which is neutral and non-polar, with glutamine, which is neutral and polar, at codon 56 of the EDA protein (p.Leu56Gln). This variant is not present in population databases (gnomAD no frequency). This missense change has been observed in individual(s) with ectodermal dysplasia (Invitae). ClinVar contains an entry for this variant (Variation ID: 569631). Advanced modeling of protein sequence and biophysical properties (such as structural, functional, and spatial information, amino acid conservation, physicochemical variation, residue mobility, and thermodynamic stability) performed at Invitae indicates that this missense variant is expected to disrupt EDA protein function. Algorithms developed to predict the effect of sequence changes on RNA splicing suggest that this variant may create or strengthen a splice site. This variant disrupts the p.Leu56 amino acid residue in EDA. Other variant(s) that disrupt this residue have been determined to be pathogenic (PMID: 25626993). This suggests that this residue is clinically significant, and that variants that disrupt this residue are likely to be disease-causing. For these reasons, this variant has been classified as Pathogenic.

Literature cited by the submitters: PubMed 25626993.